The following is an entry in ClinVar:

ClinVar aggregate classification (germline): Likely benign (0 of 4 stars; one submission).

Conditions:
DCHS2-related disorder. Also called: DCHS2-related condition.

Allele frequency attached by ClinVar (database versions not stated): ExAC 0.00050; 1000 Genomes Project 30x 0.00109; 1000 Genomes Project 0.00120; TOPMed 0.00121; gnomAD 0.00124; ESP Exome Variant Server 0.00146.
gnomAD v4.1: 430 of 1,614,004 alleles (0.027%); highest among the groups gnomAD compares: African/African-American, 0.43%; no homozygotes.

Submission:

PreventionGenetics, part of Exact Sciences
Classification: Likely benign for DCHS2-related condition. Last evaluated: 2022-04-06. Review status: no assertion criteria provided. Collection method: clinical testing. Allele origin: germline.
Comment: This variant is classified as likely benign based on ACMG/AMP sequence variant interpretation guidelines (Richards et al. 2015 PMID: 25741868, with internal and published modifications).

NM_001358235.2(DCHS2):c.10007C>T (p.Thr3336Met)

Genes: DCHS2 (dachsous cadherin-related 2; minus strand), DCHS2-AS1 (DCHS2 antisense RNA 1; plus strand). Cytogenetic location: 4q31.3.
Variant type: single nucleotide variant.
Coding change: c.10007C>T on transcript NM_001358235.2 (MANE Select); coding-DNA position 10007, C replaced by T.
Protein change: p.Thr3336Met; replaces threonine 3336 with methionine.
Molecular consequence: missense variant.
Genome position (GRCh38, 1-based): chr4:154,234,645, G>A on the plus strand (C>T on the coding strand, the complement: DCHS2 is on the minus strand). VCF-style: chr4-154234645-G-A. GRCh37 (hg19) VCF-style: chr4-155155797-G-A.
Other names: short protein forms T3336M.
Identifiers: ClinVar variation 3048765 (VCV003048765.2), dbSNP rs139235484, ClinGen allele CA3111638.
Genomic context (GRCh38, chr4:154,234,645, plus strand): 5'-ATGTGTGTTCCTAATAATTCTCCTTCTCTCAACAGTGGAGACAAGGCAGGAGGCTGCATC[G>A]TCAATAGGGAAAGAGATGGAGAAAAATTGGGAGTCATGCCTTCTGGCAGAGAACCAAGAT-3'
Protein context (NP_001345164.1, residues 3326-3346): PNFSPSLSLL[Thr3336Met]MQPPALSPLL